The following is an entry in ClinVar:

NM_001481.3(DRC4):c.1188T>G (p.Pro396=)

Gene: DRC4 (dynein regulatory complex subunit 4; plus strand). Cytogenetic location: 16q24.3.
Variant type: single nucleotide variant.
Coding change: c.1188T>G on transcript NM_001481.3 (MANE Select); coding-DNA position 1188, T replaced by G.
Protein change: p.Pro396=; no amino-acid change (proline 396 retained).
Molecular consequence: synonymous variant.
Genome position (GRCh38, 1-based): chr16:90,040,476, T>G. VCF-style: chr16-90040476-T-G. GRCh37 (hg19) VCF-style: chr16-90106884-T-G.
Other names: c.939T>G, p.Pro313= (NM_001286205.2); c.612T>G, p.Pro204= (NM_001286208.2); c.1113T>G, p.Pro371= (NM_001286209.2).
Identifiers: ClinVar variation 475557 (VCV000475557.15), dbSNP rs61734729, ClinGen allele CA8258125.

ClinVar aggregate classification (germline): Benign/Likely benign. Review status: criteria provided, multiple submitters, no conflicts (2 of 4 stars). 3 submissions from 3 submitters: Benign (1); Likely benign (1). 1 of the submissions does not count toward it. Last evaluated 2026-02-01.

Conditions:
GAS8-related disorder. Also called: GAS8-related condition.
Primary ciliary dyskinesia 33. Also called: CILIARY DYSKINESIA, PRIMARY, 33, WITHOUT SITUS INVERSUS. Identifiers: Orphanet 244, MedGen C4225230, MONDO:0014750, OMIM 616726.

Allele frequency attached by ClinVar (database versions not stated): gnomAD exomes 0.00046 and 0.00129; ExAC 0.00209; 1000 Genomes Project 0.00499; ESP Exome Variant Server 0.00508; 1000 Genomes Project 30x 0.00531; gnomAD 0.00533 and 0.00582; TOPMed 0.00594.
gnomAD v4.1: 1,502 of 1,607,796 alleles (0.093%); highest among the groups gnomAD compares: African/African-American, 1.8%; 14 homozygotes.

Submissions (3):

Labcorp Genetics (formerly Invitae), Labcorp
Classification: Benign for Primary ciliary dyskinesia 33. Last evaluated: 2026-02-01. Review status: criteria provided, single submitter. Criteria: Invitae Variant Classification Sherloc (09022015). Collection method: clinical testing. Allele origin: germline.

Blueprint Genetics
Classification: Likely benign. Last evaluated: 2024-10-18. Review status: criteria provided, single submitter. Criteria: ACMG Guidelines, 2015. Collection method: clinical testing. Allele origin: germline.

PreventionGenetics, part of Exact Sciences
Classification: Likely benign for GAS8-related condition. Last evaluated: 2019-12-19. Review status: no assertion criteria provided. Collection method: clinical testing. Allele origin: germline. Not counted in ClinVar's aggregate classification.
Comment: This variant is classified as likely benign based on ACMG/AMP sequence variant interpretation guidelines (Richards et al. 2015 PMID: 25741868, with internal and published modifications).